The following is an entry in ClinVar:

NM_206933.4(USH2A):c.8725G>T (p.Gly2909Cys)

Gene: USH2A (usherin; minus strand). Cytogenetic location: 1q41.
Variant type: single nucleotide variant.
Coding change: c.8725G>T on transcript NM_206933.4 (MANE Select); coding-DNA position 8725, G replaced by T.
Protein change: p.Gly2909Cys; replaces glycine 2909 with cysteine.
Molecular consequence: missense variant.
Genome position (GRCh38, 1-based): chr1:215,867,127, C>A on the plus strand (G>T on the coding strand, the complement: USH2A is on the minus strand). VCF-style: chr1-215867127-C-A. GRCh37 (hg19) VCF-style: chr1-216040469-C-A.
Other names: short protein forms G2909C.
Identifiers: ClinVar variation 1927251 (VCV001927251.5), dbSNP rs758347918, ClinGen allele CA37459482.

ClinVar aggregate classification (germline): Uncertain significance (1 of 4 stars; one submission).

gnomAD v4.1: 1 of 1,614,070 alleles (0.000062%); highest among the groups gnomAD compares: Non-Finnish European, 0.000085%; no homozygotes.

Submission:

Labcorp Genetics (formerly Invitae), Labcorp
Classification: Uncertain significance. Last evaluated: 2022-11-07. Review status: criteria provided, single submitter. Criteria: Invitae Variant Classification Sherloc (09022015). Collection method: clinical testing. Allele origin: germline.
Comment: In summary, the available evidence is currently insufficient to determine the role of this variant in disease. Therefore, it has been classified as a Variant of Uncertain Significance. Advanced modeling of protein sequence and biophysical properties (such as structural, functional, and spatial information, amino acid conservation, physicochemical variation, residue mobility, and thermodynamic stability) performed at Invitae indicates that this missense variant is expected to disrupt USH2A protein function. This variant has not been reported in the literature in individuals affected with USH2A-related conditions. This variant is not present in population databases (gnomAD no frequency). This sequence change replaces glycine, which is neutral and non-polar, with cysteine, which is neutral and slightly polar, at codon 2909 of the USH2A protein (p.Gly2909Cys).